The following is an entry in ClinVar:

ClinVar aggregate classification (germline): Likely benign. Review status: criteria provided, multiple submitters, no conflicts (2 of 4 stars). 2 submissions from 2 submitters: Likely benign (2). Last evaluated 2023-06-26.

Conditions:
Malignant hyperthermia, susceptibility to, 1 (MHS1). Also called: Anesthesia related hyperthermia; Malignant hyperpyrexia; Fulminating hyperpyrexia; Pharmacogenic myopathy; RYR1-Related Malignant Hyperthermia Susceptibility; Malignant hyperthermia suceptibility 1. Identifiers: Orphanet 423, MedGen C2930980, MONDO:0007783, OMIM 145600.

gnomAD v4.1: 1 of 1,612,082 alleles (0.000062%); highest among the groups gnomAD compares: Non-Finnish European, 0.000085%; no homozygotes.

Submissions (2):

All of Us Research Program, National Institutes of Health
Classification: Likely benign for Malignant hyperthermia, susceptibility to, 1. Last evaluated: 2023-06-26. Review status: criteria provided, single submitter. Criteria: ACMG Guidelines, 2015. Collection method: clinical testing. Allele origin: germline. Inheritance: Autosomal dominant inheritance. Observed: 1 variant allele, 1 heterozygote.
Comment: This study involves interpretation of variants in research participants for the purpose of population health screening. Participant phenotype was not available at the time of variant classification. Additional details can be found in publication PMID: 35346344, PMCID: PMC8962531

Color Diagnostics, LLC DBA Color Health
Classification: Likely benign for Malignant hyperthermia, susceptibility to, 1. Last evaluated: 2022-11-06. Review status: criteria provided, single submitter. Criteria: ACMG Guidelines, 2015. Collection method: clinical testing. Allele origin: germline.

NM_000540.3(RYR1):c.7677G>A (p.Leu2559=)

Gene: RYR1 (ryanodine receptor 1; plus strand). Cytogenetic location: 19q13.2.
Variant type: single nucleotide variant.
Coding change: c.7677G>A on transcript NM_000540.3 (MANE Select); coding-DNA position 7677, G replaced by A.
Protein change: p.Leu2559=; no amino-acid change (leucine 2559 retained).
Molecular consequence: synonymous variant.
Genome position (GRCh38, 1-based): chr19:38,502,569, G>A. VCF-style: chr19-38502569-G-A. GRCh37 (hg19) VCF-style: chr19-38993209-G-A.
Other names: c.7677G>A, p.Leu2559= (NM_001042723.2).
Identifiers: ClinVar variation 3071896 (VCV003071896.2), dbSNP rs1970177678, ClinGen allele CA507243729.